The following is an entry in ClinVar:

ClinVar aggregate classification (germline): Uncertain significance (0 of 4 stars; one submission).

Conditions:
UBR3-related disorder. Also called: UBR3-related condition.

Submission:

PreventionGenetics, part of Exact Sciences
Classification: Uncertain significance for UBR3-related condition. Last evaluated: 2024-09-20. Review status: no assertion criteria provided. Collection method: clinical testing. Allele origin: germline.
Comment: The UBR3 c.4660+1G>A variant is predicted to disrupt the GT donor site and interfere with normal splicing. To our knowledge, this variant has not been reported in the literature or in a large population database, indicating this variant is rare. At this time, the clinical significance of this variant is uncertain due to the absence of conclusive functional and genetic evidence.

NM_172070.4(UBR3):c.4660+1G>A

Gene: UBR3 (ubiquitin protein ligase E3 component n-recognin 3; plus strand). Cytogenetic location: 2q31.1.
Variant type: single nucleotide variant.
Coding change: c.4660+1G>A on transcript NM_172070.4 (MANE Select); the canonical splice donor site of the intron after coding-DNA position 4660, G replaced by A.
Molecular consequence: splice donor variant.
Genome position (GRCh38, 1-based): chr2:170,040,986, G>A. VCF-style: chr2-170040986-G-A. GRCh37 (hg19) VCF-style: chr2-170897496-G-A.
Identifiers: ClinVar variation 3345335 (VCV003345335.1).
Genomic context (GRCh38, chr2:170,040,986, plus strand): 5'-ATGATGTAACATCCCTTTTGCTCATCCAGATCTTAATGATGCCACAACCCTTACGCAAAG[G>A]TATGTCTTTATAATTCAGATTCTTTGATTATATACTATGTATTTTGAATATTCTAGAGAT-3'